The following is an entry in ClinVar:

ClinVar aggregate classification (germline): Uncertain significance (1 of 4 stars; one submission).

Allele frequency attached by ClinVar (database versions not stated): gnomAD exomes below 0.00001; gnomAD 0.00001; ExAC 0.00002.
gnomAD v4.1: 7 of 1,611,246 alleles (0.00043%); highest among the groups gnomAD compares: East Asian, 0.0067%; no homozygotes.

Submission:

Labcorp Genetics (formerly Invitae), Labcorp
Classification: Uncertain significance. Last evaluated: 2022-07-12. Review status: criteria provided, single submitter. Criteria: Invitae Variant Classification Sherloc (09022015). Collection method: clinical testing. Allele origin: germline.
Comment: In summary, the available evidence is currently insufficient to determine the role of this variant in disease. Therefore, it has been classified as a Variant of Uncertain Significance. Algorithms developed to predict the effect of sequence changes on RNA splicing suggest that this variant may create or strengthen a splice site. Algorithms developed to predict the effect of missense changes on protein structure and function (SIFT, PolyPhen-2, Align-GVGD) all suggest that this variant is likely to be tolerated. This variant has not been reported in the literature in individuals affected with TRMT5-related conditions. This variant is present in population databases (rs115310871, gnomAD 0.03%). This sequence change replaces asparagine, which is neutral and polar, with serine, which is neutral and polar, at codon 245 of the TRMT5 protein (p.Asn245Ser).

NM_020810.3(TRMT5):c.734A>G (p.Asn245Ser)

Gene: TRMT5 (tRNA methyltransferase 5; minus strand). Cytogenetic location: 14q23.1.
Variant type: single nucleotide variant.
Coding change: c.734A>G on transcript NM_020810.3 (MANE Select); coding-DNA position 734, A replaced by G.
Protein change: p.Asn245Ser; replaces asparagine 245 with serine.
Molecular consequence: missense variant.
Genome position (GRCh38, 1-based): chr14:60,977,572, T>C on the plus strand (A>G on the coding strand, the complement: TRMT5 is on the minus strand). VCF-style: chr14-60977572-T-C. GRCh37 (hg19) VCF-style: chr14-61444290-T-C.
Other names: c.818A>G, p.Asn273Ser (NM_001350253.1); c.815A>G, p.Asn272Ser (NM_001350254.1); short protein forms N272S, N273S, N245S.
Identifiers: ClinVar variation 1904664 (VCV001904664.5), dbSNP rs115310871, ClinGen allele CA7213844.